The following is an entry in ClinVar:

ClinVar aggregate classification (germline): Uncertain significance (1 of 4 stars; one submission).

Conditions:
Immunodeficiency 51 (IMD51). Also called: CANDIDIASIS, FAMILIAL, 5. Identifiers: Orphanet 1334, MedGen C4310803, MONDO:0013500, OMIM 613953.

Submission:

Labcorp Genetics (formerly Invitae), Labcorp
Classification: Uncertain significance for Immunodeficiency 51. Last evaluated: 2021-02-25. Review status: criteria provided, single submitter. Criteria: Invitae Variant Classification Sherloc (09022015). Collection method: clinical testing. Allele origin: germline.
Comment: This sequence change replaces proline with threonine at codon 709 of the IL17RA protein (p.Pro709Thr). The proline residue is weakly conserved and there is a small physicochemical difference between proline and threonine. This variant is not present in population databases (ExAC no frequency). This variant has not been reported in the literature in individuals with IL17RA-related conditions. Algorithms developed to predict the effect of missense changes on protein structure and function (SIFT, PolyPhen-2, Align-GVGD) all suggest that this variant is likely to be tolerated, but these predictions have not been confirmed by published functional studies and their clinical significance is uncertain. In summary, the available evidence is currently insufficient to determine the role of this variant in disease. Therefore, it has been classified as a Variant of Uncertain Significance.

NM_014339.7(IL17RA):c.2125C>A (p.Pro709Thr)

Gene: IL17RA (interleukin 17 receptor A; plus strand). Cytogenetic location: 22q11.1.
Variant type: single nucleotide variant.
Coding change: c.2125C>A on transcript NM_014339.7 (MANE Select); coding-DNA position 2125, C replaced by A.
Protein change: p.Pro709Thr; replaces proline 709 with threonine.
Molecular consequence: missense variant.
Genome position (GRCh38, 1-based): chr22:17,109,344, C>A. VCF-style: chr22-17109344-C-A. GRCh37 (hg19) VCF-style: chr22-17590234-C-A.
Other names: c.2023C>A, p.Pro675Thr (NM_001289905.2); short protein forms P709T, P675T.
Identifiers: ClinVar variation 1041345 (VCV001041345.8), dbSNP rs2061429644, ClinGen allele CA410220820.